The following is an entry in ClinVar:

ClinVar aggregate classification (germline): Likely benign (1 of 4 stars; one submission).

Conditions:
SPAG17-related disorder. Also called: SPAG17-related condition.

gnomAD v4.1: 663 of 1,614,180 alleles (0.041%); highest among the groups gnomAD compares: Middle Eastern, 0.2%; 1 homozygote.

Submission:

PreventionGenetics, part of Exact Sciences
Classification: Likely benign for SPAG17-related condition. Last evaluated: 2026-03-13. Review status: criteria provided, single submitter. Criteria: ACMG Guidelines, 2015. Collection method: clinical testing. Allele origin: germline.
Comment: This variant is classified as likely benign based on ACMG/AMP sequence variant interpretation guidelines (Richards et al. 2015 PMID: 25741868, with internal and published modifications).

NM_206996.4(SPAG17):c.61T>G (p.Ser21Ala)

Gene: SPAG17 (sperm associated antigen 17; minus strand). Cytogenetic location: 1p12.
Variant type: single nucleotide variant.
Coding change: c.61T>G on transcript NM_206996.4 (MANE Select); coding-DNA position 61, T replaced by G.
Protein change: p.Ser21Ala; replaces serine 21 with alanine.
Molecular consequence: missense variant.
Genome position (GRCh38, 1-based): chr1:118,185,097, A>C on the plus strand (T>G on the coding strand, the complement: SPAG17 is on the minus strand). VCF-style: chr1-118185097-A-C. GRCh37 (hg19) VCF-style: chr1-118727720-A-C.
Other names: short protein forms S21A.
Identifiers: ClinVar variation 4987526 (VCV004987526.1).
Genomic context (GRCh38, chr1:118,185,097, plus strand): 5'-GGGGCAGGGAGGGCTTAAAGGGCTCAAGGCTCACCTGATTGAACTGTGCAGCTATGAGCG[A>C]GGGTTCCCATATCTTAGAACTGGTGTTCACAGTTCCTCCTTTCTCCTTCTTGGGTGCCAT-3'
Protein context (NP_996879.1, residues 11-31): VNTSSKIWEP[Ser21Ala]LIAAQFNQND